The following is an entry in ClinVar:

ClinVar aggregate classification (germline): Uncertain significance (1 of 4 stars; one submission).

Conditions:
Developmental and epileptic encephalopathy, 31B. Also called: Developmental and epileptic encephalopathy 31B, autosomal recessive. Identifiers: MedGen C5830459, MONDO:0957248, OMIM 620352.

Submission:

Institute of Human Genetics, University of Leipzig Medical Center
Classification: Uncertain significance for Developmental and epileptic encephalopathy, 31B. Last evaluated: 2024-10-01. Review status: criteria provided, single submitter. Criteria: ACMG Guidelines, 2015. Collection method: clinical testing. Allele origin: unknown. Inheritance: Autosomal recessive inheritance. Affected: yes.
Comment: Criteria applied: PM2_SUP, PP2, PP3

NM_004408.4(DNM1):c.2257C>T (p.Pro753Ser)

Gene: DNM1 (dynamin 1; plus strand). Cytogenetic location: 9q34.11.
Variant type: single nucleotide variant.
Coding change: c.2257C>T on transcript NM_004408.4 (MANE Select); coding-DNA position 2257, C replaced by T.
Protein change: p.Pro753Ser; replaces proline 753 with serine.
Molecular consequence: missense variant.
Genome position (GRCh38, 1-based): chr9:128,250,295, C>T. VCF-style: chr9-128250295-C-T. GRCh37 (hg19) VCF-style: chr9-131012574-C-T.
Other names: c.2257C>T, p.Pro753Ser (NM_001005336.3, NM_001288737.2, NM_001288738.2 and 2 more transcripts); short protein forms P753S.
Identifiers: ClinVar variation 3359141 (VCV003359141.2).